The following is an entry in ClinVar:

ClinVar aggregate classification (germline): Conflicting classifications of pathogenicity. Review status: criteria provided, conflicting classifications (1 of 4 stars). 2 submissions from 2 submitters: Uncertain significance (1); Likely benign (1). Last evaluated 2025-02-10.

Conditions:
Hereditary cancer-predisposing syndrome. Also called: Neoplastic Syndromes, Hereditary; Tumor predisposition; Hereditary Cancer Syndrome; Hereditary neoplastic syndrome. Identifiers: Orphanet 140162, MedGen C0027672, MeSH D009386, MONDO:0015356.
Familial cancer of breast. Also called: BREAST CANCER, FAMILIAL; hereditary breast carcinoma; Hereditary breast cancer. Identifiers: Orphanet 227535, MedGen C0346153, MONDO:0016419, OMIM 114480. Disease mechanism: loss of function.

Allele frequency attached by ClinVar (database versions not stated): gnomAD exomes below 0.00001; TOPMed 0.00001.
gnomAD v4.1: 2 of 1,613,598 alleles (0.00012%); highest among the groups gnomAD compares: Non-Finnish European, 0.000085%; no homozygotes.

Submissions (2):

Labcorp Genetics (formerly Invitae), Labcorp
Classification: Uncertain significance for Familial cancer of breast. Last evaluated: 2025-02-10. Review status: criteria provided, single submitter. Criteria: Invitae Variant Classification Sherloc (09022015). Collection method: clinical testing. Allele origin: germline.
Comment: This sequence change replaces glycine, which is neutral and non-polar, with glutamic acid, which is acidic and polar, at codon 103 of the PALB2 protein (p.Gly103Glu). This variant is not present in population databases (gnomAD no frequency). This variant has not been reported in the literature in individuals affected with PALB2-related conditions. ClinVar contains an entry for this variant (Variation ID: 234012). An algorithm developed to predict the effect of missense changes on protein structure and function outputs the following: PolyPhen-2: "Benign". The glutamic acid amino acid residue is found in multiple mammalian species, which suggests that this missense change does not adversely affect protein function. In summary, the available evidence is currently insufficient to determine the role of this variant in disease. Therefore, it has been classified as a Variant of Uncertain Significance.

Ambry Genetics
Classification: Likely benign for Hereditary cancer-predisposing syndrome. Last evaluated: 2015-09-27. Review status: criteria provided, single submitter. Criteria: Ambry Variant Classification Scheme 2023. Collection method: clinical testing. Allele origin: germline.

NM_024675.4(PALB2):c.308G>A (p.Gly103Glu)

Gene: PALB2 (partner and localizer of BRCA2; minus strand). Cytogenetic location: 16p12.2.
Variant type: single nucleotide variant.
Coding change: c.308G>A on transcript NM_024675.4 (MANE Select); coding-DNA position 308, G replaced by A.
Protein change: p.Gly103Glu; replaces glycine 103 with glutamic acid.
Molecular consequence: missense variant.
Genome position (GRCh38, 1-based): chr16:23,636,238, C>T on the plus strand (G>A on the coding strand, the complement: PALB2 is on the minus strand). VCF-style: chr16-23636238-C-T. GRCh37 (hg19) VCF-style: chr16-23647559-C-T.
Other names: short protein forms G103E.
Identifiers: ClinVar variation 234012 (VCV000234012.12), dbSNP rs876660794, ClinGen allele CA10580046.